The following is an entry in ClinVar:

ClinVar aggregate classification (germline): Uncertain significance. Review status: criteria provided, single submitter (1 of 4 stars). 2 submissions from 2 submitters: Uncertain significance (1). 1 of the submissions does not count toward it. Last evaluated 2021-03-05.

Conditions:
Glutaric acidemia type 2C.

Allele frequency attached by ClinVar (database versions not stated): gnomAD exomes below 0.00001 and 0.00002; ExAC 0.00004; gnomAD 0.00005 and 0.00006; TOPMed 0.00010; ESP Exome Variant Server 0.00031.
gnomAD v4.1: 11 of 1,574,600 alleles (0.0007%); highest among the groups gnomAD compares: African/African-American, 0.015%; no homozygotes.

Submissions (2):

GeneDx
Classification: Uncertain significance. Last evaluated: 2021-03-05. Review status: criteria provided, single submitter. Criteria: GeneDx Variant Classification Process June 2021. Collection method: clinical testing. Allele origin: germline. Affected: yes.
Comment: Has not been previously published as pathogenic or benign to our knowledge; Located in a region that tolerates variation and lacks pathogenic variants; In-silico analysis, which includes splice predictors and evolutionary conservation, is inconclusive as to whether the variant alters gene splicing. In the absence of RNA/functional studies, the actual effect of this sequence change is unknown.

Natera, Inc.
Classification: Uncertain significance for Glutaric acidemia type 2C. Last evaluated: 2020-05-29. Review status: no assertion criteria provided. Collection method: clinical testing. Allele origin: germline. Not counted in ClinVar's aggregate classification.

NM_004453.4(ETFDH):c.973-8T>C

Gene: ETFDH (electron transfer flavoprotein dehydrogenase; plus strand). Cytogenetic location: 4q32.1.
Variant type: single nucleotide variant.
Coding change: c.973-8T>C on transcript NM_004453.4 (MANE Select); 8 bases into the intron before coding-DNA position 973, T replaced by C.
Molecular consequence: intron variant.
Genome position (GRCh38, 1-based): chr4:158,698,979, T>C. VCF-style: chr4-158698979-T-C. GRCh37 (hg19) VCF-style: chr4-159620131-T-C.
Other names: c.832-8T>C (NM_001281737.2); c.790-8T>C (NM_001281738.1).
Identifiers: ClinVar variation 1267926 (VCV001267926.3), dbSNP rs371843463, ClinGen allele CA3122527.
Genomic context (GRCh38, chr4:158,698,979, plus strand): 5'-GCTTACATTTTAGCTTGATTTAATTTGAAATAAAAATGTCTAATTAAATATAAGTGTAAA[T>C]TTTTAAGGTTGGTCTAGACTATCAGAATCCATACCTGAGTCCATTTAGAGAGTTCCAAAG-3'